The following is an entry in ClinVar:

ClinVar aggregate classification (germline): Benign/Likely benign. Review status: criteria provided, multiple submitters, no conflicts (2 of 4 stars). 3 submissions from 3 submitters: Benign (1); Likely benign (2). Last evaluated 2025-04-30.

Conditions:
Hereditary cancer-predisposing syndrome. Also called: Hereditary Cancer Syndrome; Tumor predisposition; Neoplastic Syndromes, Hereditary; Hereditary neoplastic syndrome. Identifiers: Orphanet 140162, MedGen C0027672, MeSH D009386, MONDO:0015356.
Tuberous sclerosis 1 (TSC1). Identifiers: Orphanet 805, MedGen C1854465, MONDO:0008612, OMIM 191100.

Allele frequency attached by ClinVar (database versions not stated): ESP Exome Variant Server 0.00008.

Submissions (3):

Myriad Genetics, Inc.
Classification: Benign for Tuberous sclerosis 1. Last evaluated: 2025-04-30. Review status: criteria provided, single submitter. Criteria: Myriad Autosomal Dominant, Autosomal Recessive and X-Linked Classification Criteria (2023). Collection method: clinical testing. Allele origin: unknown.
Comment: This variant is considered benign. This variant is a silent/synonymous amino acid change and it is not expected to impact splicing.

Ambry Genetics
Classification: Likely benign for Hereditary cancer-predisposing syndrome. Last evaluated: 2022-11-27. Review status: criteria provided, single submitter. Criteria: Ambry Variant Classification Scheme 2023. Collection method: clinical testing. Allele origin: germline.

Labcorp Genetics (formerly Invitae), Labcorp
Classification: Likely benign for Tuberous sclerosis 1. Last evaluated: 2022-05-27. Review status: criteria provided, single submitter. Criteria: Invitae Variant Classification Sherloc (09022015). Collection method: clinical testing. Allele origin: germline.

NM_000368.5(TSC1):c.3228C>A (p.Thr1076=)

Gene: TSC1 (TSC complex subunit 1; minus strand). Cytogenetic location: 9q34.13.
Variant type: single nucleotide variant.
Coding change: c.3228C>A on transcript NM_000368.5 (MANE Select); coding-DNA position 3228, C replaced by A.
Protein change: p.Thr1076=; no amino-acid change (threonine 1076 retained).
Molecular consequence: synonymous variant.
Genome position (GRCh38, 1-based): chr9:132,896,502, G>T on the plus strand (C>A on the coding strand, the complement: TSC1 is on the minus strand). VCF-style: chr9-132896502-G-T. GRCh37 (hg19) VCF-style: chr9-135771889-G-T.
Other names: c.3225C>A, p.Thr1075= (NM_001162426.2); c.3075C>A, p.Thr1025= (NM_001162427.2); c.2865C>A, p.Thr955= (NM_001362177.2); c.3228C>A (NM_000368.4).
Identifiers: ClinVar variation 1626849 (VCV001626849.10), dbSNP rs140622357, ClinGen allele CA200925473.
Genomic context (GRCh38, chr9:132,896,502, plus strand): 5'-AAATAACTCTCGAGCCTTCATACCCAGGAAGCTTTTTGAACTGGGAAGTGAGCCCACAGT[G>T]GTGGGGATGCTGGCAGACGCTTCTCCCATAGTCGTCTCCCACCGACTGCTGAATGGGCCT-3'
Protein context (NP_000359.1, residues 1066-1086): TMGEASASIP[Thr1076=]TVGSLPSSKS